The following is an entry in ClinVar:

NM_000023.4(SGCA):c.168del (p.Ala57fs)

Gene: SGCA (sarcoglycan alpha; plus strand). Cytogenetic location: 17q21.33.
Variant type: Deletion.
Coding change: c.168del on transcript NM_000023.4 (MANE Select); coding-DNA position 168, one base deleted (C; older notation c.168delC).
Protein change: p.Ala57fs; shifts the reading frame from alanine 57.
Molecular consequence: frameshift variant. On other transcripts: non-coding transcript variant (1).
Genome position (GRCh38, 1-based): chr17:50,167,592, C deleted; the last of 3 consecutive C bases (chr17:50,167,590-50,167,592); deleting any one gives the same sequence. VCF-style (leftmost placement, unchanged base first): chr17-50167589-AC-A. GRCh37 (hg19) VCF-style: chr17-48244950-AC-A.
Other names: c.168del, p.Ala57fs (NM_001135697.3); short protein forms A57fs.
Identifiers: ClinVar variation 497173 (VCV000497173.10), dbSNP rs1555568264, ClinGen allele CA658798901.

ClinVar aggregate classification (germline): Pathogenic. Review status: criteria provided, multiple submitters, no conflicts (2 of 4 stars). 3 submissions from 3 submitters: Pathogenic (3). Last evaluated 2023-02-08.

Conditions:
Autosomal recessive limb-girdle muscular dystrophy type 2D (LGMDR3). Also called: MUSCULAR DYSTROPHY, LIMB-GIRDLE, AUTOSOMAL RECESSIVE 3; ADHALINOPATHY, PRIMARY; DUCHENNE-LIKE AUTOSOMAL RECESSIVE MUSCULAR DYSTROPHY, TYPE 2. Identifiers: Orphanet 62, MedGen C2936332, MONDO:0011968, OMIM 608099. Disease mechanism: Affects gamma-sarcoglycan and also disrupts the integrity of the entire sarcoglycan complex..

Submissions (3):

Genome-Nilou Lab
Classification: Pathogenic for Autosomal recessive limb-girdle muscular dystrophy type 2D. Last evaluated: 2023-02-08. Review status: criteria provided, single submitter. Criteria: ACMG Guidelines, 2015. Collection method: clinical testing. Allele origin: germline.

Labcorp Genetics (formerly Invitae), Labcorp
Classification: Pathogenic for Autosomal recessive limb-girdle muscular dystrophy type 2D. Last evaluated: 2022-05-31. Review status: criteria provided, single submitter. Criteria: Invitae Variant Classification Sherloc (09022015). Collection method: clinical testing. Allele origin: germline.
Comment: This sequence change creates a premature translational stop signal (p.Ala57Leufs*154) in the SGCA gene. It is expected to result in an absent or disrupted protein product. Loss-of-function variants in SGCA are known to be pathogenic (PMID: 9192266). This variant is not present in population databases (gnomAD no frequency). This variant has not been reported in the literature in individuals affected with SGCA-related conditions. ClinVar contains an entry for this variant (Variation ID: 497173). For these reasons, this variant has been classified as Pathogenic.

Eurofins Ntd Llc (ga)
Classification: Pathogenic. Last evaluated: 2016-09-26. Review status: criteria provided, single submitter. Criteria: EGL Classification Definitions 2015. Collection method: clinical testing. Allele origin: germline. Observed: 1 variant allele, 1 heterozygote.

Literature cited by the submitters: PubMed 9192266 (cited by Labcorp Genetics (formerly Invitae), Labcorp).